The following is an entry in ClinVar:

ClinVar aggregate classification (germline): Benign/Likely benign. Review status: criteria provided, multiple submitters, no conflicts (2 of 4 stars). 8 submissions from 8 submitters: Benign (6); Likely benign (2). Last evaluated 2026-06-28.

Conditions:
Hermansky-Pudlak syndrome 5 (HPS5). Identifiers: Orphanet 231512, Orphanet 79430, MedGen C3888004, MONDO:0013557, OMIM 614074.

Allele frequency attached by ClinVar (database versions not stated): 1000 Genomes Project 0.02396; TOPMed 0.02260; gnomAD exomes 0.00177 and 0.00504; ESP Exome Variant Server 0.02334; 1000 Genomes Project 30x 0.02592; ExAC 0.00617; gnomAD 0.01964 and 0.02127.
gnomAD v4.1: 5,688 of 1,613,970 alleles (0.35%); highest among the groups gnomAD compares: African/African-American, 6.8%; 178 homozygotes.

Submissions (8):

Women's Health and Genetics/Laboratory Corporation of America, LabCorp
Classification: Benign. Last evaluated: 2026-06-28. Review status: criteria provided, single submitter. Criteria: LabCorp Variant Classification Summary - May 2015. Collection method: clinical testing. Allele origin: germline.

Labcorp Genetics (formerly Invitae), Labcorp
Classification: Benign. Last evaluated: 2026-02-02. Review status: criteria provided, single submitter. Criteria: Invitae Variant Classification Sherloc (09022015). Collection method: clinical testing. Allele origin: germline.

Mayo Clinic Laboratories, Mayo Clinic
Classification: Benign. Last evaluated: 2023-12-13. Review status: criteria provided, single submitter. Criteria: ACMG Guidelines, 2015. Collection method: clinical testing. Allele origin: germline. Observed: 11 variant alleles.

GeneDx
Classification: Benign. Last evaluated: 2020-02-03. Review status: criteria provided, single submitter. Criteria: GeneDx Variant Classification Process June 2021. Collection method: clinical testing. Allele origin: germline. Affected: yes.

Illumina Laboratory Services, Illumina
Classification: Likely benign for Hermansky-Pudlak syndrome 5. Last evaluated: 2017-04-27. Review status: criteria provided, single submitter. Criteria: ICSL Variant Classification Criteria 13 December 2019. Collection method: clinical testing. Allele origin: germline.
Comment: This variant was observed as part of a predisposition screen in an ostensibly healthy population. A literature search was performed for the gene, cDNA change, and amino acid change (where applicable). No publications were found based on this search. Allele frequency data from public databases allowed determination this variant is unlikely to cause disease. Therefore, this variant is classified as likely benign.

Laboratory for Molecular Medicine, Mass General Brigham Personalized Medicine
Classification: Benign. Last evaluated: 2013-02-21. Review status: criteria provided, single submitter. Criteria: LMM Criteria. Collection method: clinical testing. Allele origin: germline. Observed: 2 variant alleles.
Comment: Leu47Leu in exon 3 of HPS5: This variant is not expected to have clinical signif icance because it does not alter an amino acid residue and is not located within the splice consensus sequence. It has been identified in 6.9% (302/4398) of Afr ican American chromosomes from a broad population by the NHLBI Exome Sequencing Project (dbSNP rs73432728).

Breakthrough Genomics
Classification: Likely benign. Review status: criteria provided, single submitter. Criteria: ACMG Guidelines, 2015. Collection method: not provided. Allele origin: germline. Inheritance: Autosomal recessive inheritance. Affected: yes.

PreventionGenetics, part of Exact Sciences
Classification: Benign. Review status: criteria provided, single submitter. Criteria: ACMG Guidelines, 2015. Collection method: clinical testing. Allele origin: germline.

NM_181507.2(HPS5):c.139T>C (p.Leu47=)

Gene: HPS5 (HPS5 biogenesis of lysosomal organelles complex 2 subunit 2; minus strand). Cytogenetic location: 11p15.1.
Variant type: single nucleotide variant.
Coding change: c.139T>C on transcript NM_181507.2 (MANE Select); coding-DNA position 139, T replaced by C.
Protein change: p.Leu47=; no amino-acid change (leucine 47 retained).
Molecular consequence: synonymous variant. On other transcripts: 5 prime UTR variant (1).
Genome position (GRCh38, 1-based): chr11:18,311,994, A>G on the plus strand (T>C on the coding strand, the complement: HPS5 is on the minus strand). VCF-style: chr11-18311994-A-G. GRCh37 (hg19) VCF-style: chr11-18333541-A-G.
Other names: p.Leu47=; c.-204T>C (NM_007216.4, NM_181508.2).
Identifiers: ClinVar variation 226660 (VCV000226660.23), dbSNP rs73432728, ClinGen allele CA5910559.
Genomic context (GRCh38, chr11:18,311,994, plus strand): 5'-TGTGCTTCCAGCCTTCTTTCTGAATGAGATGGAGTCCTCCTCCTGAACTGCCCAAAGCCA[A>G]CCATTTCCGAGACACAGCTATGCTCGTGCACTAAAAACATGTGAAGAGAAGTGTGAGATA-3'
Protein context (NP_852608.1, residues 37-57): CTSIAVSRKW[Leu47=]ALGSSGGGLH